The following is an entry in ClinVar:

ClinVar aggregate classification (germline): Uncertain significance. Review status: criteria provided, multiple submitters, no conflicts (2 of 4 stars). 2 submissions from 2 submitters: Uncertain significance (2). Last evaluated 2025-08-30.

Conditions:
Inborn genetic diseases. Identifiers: MedGen C0950123, MeSH D030342.

Allele frequency attached by ClinVar (database versions not stated): ExAC 0.00002; gnomAD exomes 0.00002; gnomAD 0.00007; ESP Exome Variant Server 0.00008; TOPMed 0.00009.
gnomAD v4.1: 45 of 1,614,048 alleles (0.0028%); highest among the groups gnomAD compares: Admixed American, 0.018%; no homozygotes.

Submissions (2):

Ambry Genetics
Classification: Uncertain significance for Inborn genetic diseases. Last evaluated: 2025-08-30. Review status: criteria provided, single submitter. Criteria: Ambry Variant Classification Scheme 2023. Collection method: clinical testing. Allele origin: germline.

Labcorp Genetics (formerly Invitae), Labcorp
Classification: Uncertain significance. Last evaluated: 2025-07-14. Review status: criteria provided, single submitter. Criteria: Invitae Variant Classification Sherloc (09022015). Collection method: clinical testing. Allele origin: germline.
Comment: This sequence change replaces alanine, which is neutral and non-polar, with threonine, which is neutral and polar, at codon 1628 of the COL4A1 protein (p.Ala1628Thr). This variant is present in population databases (rs144201848, gnomAD 0.01%). This variant has not been reported in the literature in individuals affected with COL4A1-related conditions. ClinVar contains an entry for this variant (Variation ID: 1519969). Invitae Evidence Modeling of protein sequence and biophysical properties (such as structural, functional, and spatial information, amino acid conservation, physicochemical variation, residue mobility, and thermodynamic stability) indicates that this missense variant is not expected to disrupt COL4A1 protein function with a negative predictive value of 95%. In summary, the available evidence is currently insufficient to determine the role of this variant in disease. Therefore, it has been classified as a Variant of Uncertain Significance.

NM_001845.6(COL4A1):c.4882G>A (p.Ala1628Thr)

Gene: COL4A1 (collagen type IV alpha 1 chain; minus strand). Cytogenetic location: 13q34.
Variant type: single nucleotide variant.
Coding change: c.4882G>A on transcript NM_001845.6 (MANE Select); coding-DNA position 4882, G replaced by A.
Protein change: p.Ala1628Thr; replaces alanine 1628 with threonine.
Molecular consequence: missense variant.
Genome position (GRCh38, 1-based): chr13:110,152,380, C>T on the plus strand (G>A on the coding strand, the complement: COL4A1 is on the minus strand). VCF-style: chr13-110152380-C-T. GRCh37 (hg19) VCF-style: chr13-110804727-C-T.
Other names: c.4882G>A (NM_001845.4); short protein forms A1628T.
Identifiers: ClinVar variation 1519969 (VCV001519969.9), dbSNP rs144201848, ClinGen allele CA7046777.